The following is an entry in ClinVar:

ClinVar aggregate classification (germline): Uncertain significance. Review status: criteria provided, multiple submitters, no conflicts (2 of 4 stars). 2 submissions from 2 submitters: Uncertain significance (2). Last evaluated 2025-02-01.

Conditions:
Dilated cardiomyopathy 1O (CMD1O). Also called: CARDIOMYOPATHY, DILATED, WITH VENTRICULAR TACHYCARDIA. Identifiers: Orphanet 154, MedGen C1837839, MONDO:0012062, OMIM 608569.

Allele frequency attached by ClinVar (database versions not stated): gnomAD 0.00001; gnomAD exomes 0.00001 and 0.00003; TOPMed 0.00001; ExAC 0.00002.
gnomAD v4.1: 10 of 1,613,338 alleles (0.00062%); highest among the groups gnomAD compares: Admixed American, 0.017%; no homozygotes.

Submissions (2):

CeGaT Center for Human Genetics Tuebingen
Classification: Uncertain significance. Last evaluated: 2025-02-01. Review status: criteria provided, single submitter. Criteria: CeGaT Center For Human Genetics Tuebingen Variant Classification Criteria Version 2. Collection method: clinical testing. Allele origin: germline. Affected: yes. Observed: 1 variant allele.

Labcorp Genetics (formerly Invitae), Labcorp
Classification: Uncertain significance for Dilated cardiomyopathy 1O. Last evaluated: 2024-02-05. Review status: criteria provided, single submitter. Criteria: Invitae Variant Classification Sherloc (09022015). Collection method: clinical testing. Allele origin: germline.
Comment: This sequence change replaces valine, which is neutral and non-polar, with glycine, which is neutral and non-polar, at codon 1319 of the ABCC9 protein (p.Val1319Gly). This variant is present in population databases (rs748445967, gnomAD 0.02%). This variant has not been reported in the literature in individuals affected with ABCC9-related conditions. ClinVar contains an entry for this variant (Variation ID: 1424853). Advanced modeling of protein sequence and biophysical properties (such as structural, functional, and spatial information, amino acid conservation, physicochemical variation, residue mobility, and thermodynamic stability) performed at Invitae indicates that this missense variant is expected to disrupt ABCC9 protein function with a positive predictive value of 95%. In summary, the available evidence is currently insufficient to determine the role of this variant in disease. Therefore, it has been classified as a Variant of Uncertain Significance.

NM_020297.4(ABCC9):c.3956T>G (p.Val1319Gly)

Genes: ABCC9 (ATP binding cassette subfamily C member 9; minus strand), KCNJ8-AS1 (KCNJ8 antisense RNA 1; plus strand). Cytogenetic location: 12p12.1.
Variant type: single nucleotide variant.
Coding change: c.3956T>G on transcript NM_020297.4 (MANE Select); coding-DNA position 3956, T replaced by G.
Protein change: p.Val1319Gly; replaces valine 1319 with glycine.
Molecular consequence: missense variant.
Genome position (GRCh38, 1-based): chr12:21,815,830, A>C on the plus strand (T>G on the coding strand, the complement: ABCC9 is on the minus strand). VCF-style: chr12-21815830-A-C. GRCh37 (hg19) VCF-style: chr12-21968764-A-C.
Other names: c.3956T>G, p.Val1319Gly (NM_001377273.1, NM_005691.4); c.3089T>G, p.Val1030Gly (NM_001377274.1); short protein forms V1319G, V1030G.
Identifiers: ClinVar variation 1424853 (VCV001424853.20), dbSNP rs748445967, ClinGen allele CA6480983.